The following is an entry in ClinVar:

NM_025144.4(ALPK1):c.2346C>A (p.Pro782=)

Gene: ALPK1 (alpha kinase 1; plus strand). Cytogenetic location: 4q25.
Variant type: single nucleotide variant.
Coding change: c.2346C>A on transcript NM_025144.4 (MANE Select); coding-DNA position 2346, C replaced by A.
Protein change: p.Pro782=; no amino-acid change (proline 782 retained).
Molecular consequence: synonymous variant.
Genome position (GRCh38, 1-based): chr4:112,431,893, C>A. VCF-style: chr4-112431893-C-A. GRCh37 (hg19) VCF-style: chr4-113353049-C-A.
Other names: c.2346C>A, p.Pro782= (NM_001102406.2); c.2112C>A, p.Pro704= (NM_001253884.2); c.2346C>A (NM_001102406.1).
Identifiers: ClinVar variation 2172827 (VCV002172827.5), dbSNP rs200864856, ClinGen allele CA3046908.

ClinVar aggregate classification (germline): Benign/Likely benign. Review status: criteria provided, multiple submitters, no conflicts (2 of 4 stars). 2 submissions from 2 submitters: Benign (1); Likely benign (1). Last evaluated 2025-12-10.

Conditions:
ALPK1-related disorder. Also called: ALPK1-related condition.

Allele frequency attached by ClinVar (database versions not stated): 1000 Genomes Project 30x 0.00078; 1000 Genomes Project 0.00080; gnomAD 0.00017; TOPMed 0.00023; ExAC 0.00036.
gnomAD v4.1: 170 of 1,614,022 alleles (0.011%); highest among the groups gnomAD compares: East Asian, 0.29%; no homozygotes.

Submissions (2):

PreventionGenetics, part of Exact Sciences
Classification: Likely benign for ALPK1-related condition. Last evaluated: 2025-12-10. Review status: criteria provided, single submitter. Criteria: ACMG Guidelines, 2015. Collection method: clinical testing. Allele origin: germline.
Comment: This variant is classified as likely benign based on ACMG/AMP sequence variant interpretation guidelines (Richards et al. 2015 PMID: 25741868, with internal and published modifications).

Labcorp Genetics (formerly Invitae), Labcorp
Classification: Benign. Last evaluated: 2025-12-03. Review status: criteria provided, single submitter. Criteria: Invitae Variant Classification Sherloc (09022015). Collection method: clinical testing. Allele origin: germline.